The following is an entry in ClinVar:

ClinVar aggregate classification (germline): Conflicting classifications of pathogenicity. Review status: criteria provided, conflicting classifications (1 of 4 stars). 3 submissions from 3 submitters: Uncertain significance (2); Likely benign (1). Last evaluated 2026-01-05.

Conditions:
Inborn genetic diseases. Identifiers: MedGen C0950123, MeSH D030342.

Allele frequency attached by ClinVar (database versions not stated): gnomAD exomes 0.00001 and 0.00002; ExAC 0.00002; TOPMed 0.00012; gnomAD 0.00013 and 0.00016.
gnomAD v4.1: 35 of 1,601,276 alleles (0.0022%); highest among the groups gnomAD compares: African/African-American, 0.045%; no homozygotes.

Submissions (3):

Labcorp Genetics (formerly Invitae), Labcorp
Classification: Uncertain significance. Last evaluated: 2026-01-05. Review status: criteria provided, single submitter. Criteria: Invitae Variant Classification Sherloc (09022015). Collection method: clinical testing. Allele origin: germline.
Comment: This sequence change replaces isoleucine, which is neutral and non-polar, with leucine, which is neutral and non-polar, at codon 625 of the IFT81 protein (p.Ile625Leu). This variant is present in population databases (rs751994339, gnomAD 0.04%). This variant has not been reported in the literature in individuals affected with IFT81-related conditions. ClinVar contains an entry for this variant (Variation ID: 1003252). Invitae Evidence Modeling of protein sequence and biophysical properties (such as structural, functional, and spatial information, amino acid conservation, physicochemical variation, residue mobility, and thermodynamic stability) indicates that this missense variant is not expected to disrupt IFT81 protein function with a negative predictive value of 80%. In summary, the available evidence is currently insufficient to determine the role of this variant in disease. Therefore, it has been classified as a Variant of Uncertain Significance.

Ambry Genetics
Classification: Uncertain significance for Inborn genetic diseases. Last evaluated: 2025-04-04. Review status: criteria provided, single submitter. Criteria: Ambry Variant Classification Scheme 2023. Collection method: clinical testing. Allele origin: germline.

Blueprint Genetics
Classification: Likely benign. Last evaluated: 2023-11-27. Review status: criteria provided, single submitter. Criteria: ACMG Guidelines, 2015. Collection method: clinical testing. Allele origin: germline.

NM_014055.4(IFT81):c.1873A>T (p.Ile625Leu)

Gene: IFT81 (intraflagellar transport 81; plus strand). Cytogenetic location: 12q24.11.
Variant type: single nucleotide variant.
Coding change: c.1873A>T on transcript NM_014055.4 (MANE Select); coding-DNA position 1873, A replaced by T.
Protein change: p.Ile625Leu; replaces isoleucine 625 with leucine.
Molecular consequence: missense variant. On other transcripts: non-coding transcript variant (4).
Genome position (GRCh38, 1-based): chr12:110,218,068, A>T. VCF-style: chr12-110218068-A-T. GRCh37 (hg19) VCF-style: chr12-110655873-A-T.
Other names: c.1873A>T, p.Ile625Leu (NM_001143779.2); c.943A>T, p.Ile315Leu (NM_001347947.2, NM_001347948.2); c.1873A>T (NM_014055.3); short protein forms I315L, I625L.
Identifiers: ClinVar variation 1003252 (VCV001003252.7), dbSNP rs751994339, ClinGen allele CA6783526.